The following is an entry in ClinVar:

NM_000179.3(MSH6):c.3959dup (p.Arg1321fs)

Gene: MSH6 (mutS homolog 6; plus strand). Cytogenetic location: 2p16.3.
Variant type: Duplication.
Coding change: c.3959dup on transcript NM_000179.3 (MANE Select); coding-DNA position 3959, one base duplicated (C; older notation c.3959dupC).
Protein change: p.Arg1321fs; shifts the reading frame from arginine 1321.
Molecular consequence: frameshift variant. On other transcripts: non-coding transcript variant (5), intron variant (1).
Genome position (GRCh38, 1-based): chr2:47,806,609, C duplicated. VCF-style (leftmost placement, unchanged base first): chr2-47806608-G-GC. GRCh37 (hg19) VCF-style: chr2-48033747-G-GC.
Other names: c.3959dupC (NM_000179.2); c.3569dup, p.Arg1191fs (NM_001281492.2); c.3053dup, p.Arg1019fs (NM_001281493.2, NM_001281494.2, NM_001406811.1 and 6 more transcripts); c.4055dup, p.Arg1353fs (NM_001406795.1); c.3959dup, p.Arg1321fs (NM_001406796.1, NM_001406808.1, NM_001406809.1); c.3662dup, p.Arg1222fs (NM_001406797.1, NM_001406801.1, NM_001406805.1 and 10 more transcripts); c.3785dup, p.Arg1263fs (NM_001406798.1); c.3434dup, p.Arg1146fs (NM_001406799.1, NM_001406806.1, NM_001406807.1); and 10 more; short protein forms Q1316fs, R1019fs, R1033fs, R1146fs, R1191fs, R1222fs, R1263fs, R1265fs.
Identifiers: ClinVar variation 2673616 (VCV002673616.3), dbSNP rs2530875536, ClinGen allele CA2695200530.

ClinVar aggregate classification (germline): Pathogenic/Likely pathogenic. Review status: criteria provided, multiple submitters, no conflicts (2 of 4 stars). 2 submissions from 2 submitters: Pathogenic (1); Likely pathogenic (1). Last evaluated 2025-03-06.

Conditions:
Hereditary cancer-predisposing syndrome. Also called: Tumor predisposition; Hereditary neoplastic syndrome; Neoplastic Syndromes, Hereditary; Hereditary Cancer Syndrome. Identifiers: Orphanet 140162, MedGen C0027672, MeSH D009386, MONDO:0015356.
Lynch syndrome 5 (LYNCH5). Also called: Colorectal cancer, hereditary nonpolyposis, type 5; Hereditary non-polyposis colorectal cancer, type 5. Identifiers: Orphanet 144, MedGen C1833477, MONDO:0013710, OMIM 614350. Disease mechanism: loss of function.

Submissions (2):

Ambry Genetics
Classification: Likely pathogenic for Hereditary cancer-predisposing syndrome. Last evaluated: 2025-03-06. Review status: criteria provided, single submitter. Criteria: Ambry Variant Classification Scheme 2023. Collection method: clinical testing. Allele origin: germline.
Comment: The c.3959dupC variant, located in coding exon 9 of the MSH6 gene, results from a duplication of C at nucleotide position 3959, causing a translational frameshift with a predicted alternate stop codon (p.R1321Kfs*4). This alteration occurs at the 3' terminus of MSH6 gene, is not expected to trigger nonsense-mediated mRNA decay, and only impacts the last 40 amino acids of the protein. However, premature stop codons are typically deleterious in nature and the impacted region is critical for protein function (Ambry internal data). This variant is considered to be rare based on population cohorts in the Genome Aggregation Database (gnomAD). Based on the majority of available evidence to date, this variant is likely to be pathogenic.

Myriad Genetics, Inc.
Classification: Pathogenic for Lynch syndrome 5. Last evaluated: 2023-08-28. Review status: criteria provided, single submitter. Criteria: Myriad Autosomal Dominant, Autosomal Recessive and X-Linked Classification Criteria (2023). Collection method: clinical testing. Allele origin: unknown.
Comment: This variant is considered pathogenic. This variant creates a frameshift predicted to result in premature protein truncation.